The following is an entry in ClinVar:

NM_152564.5(VPS13B):c.7939C>T (p.Gln2647Ter)

Gene: VPS13B (vacuolar protein sorting 13 homolog B; plus strand). Cytogenetic location: 8q22.2.
Variant type: single nucleotide variant.
Coding change: c.7939C>T on transcript NM_152564.5 (MANE Select); coding-DNA position 7939, C replaced by T.
Protein change: p.Gln2647Ter; replaces glutamine 2647 with a stop codon.
Molecular consequence: nonsense.
Genome position (GRCh38, 1-based): chr8:99,784,474, C>T. VCF-style: chr8-99784474-C-T. GRCh37 (hg19) VCF-style: chr8-100796702-C-T.
Other names: c.8014C>T, p.Gln2672Ter (NM_017890.5); short protein forms Q2647*, Q2672*.
Identifiers: ClinVar variation 620341 (VCV000620341.1), dbSNP rs753282248, ClinGen allele CA4824329.

ClinVar aggregate classification (germline): Pathogenic (1 of 4 stars; one submission).

Allele frequency attached by ClinVar (database versions not stated): gnomAD exomes below 0.00001 and 0.00001; ExAC 0.00001.
gnomAD v4.1: 1 of 1,613,584 alleles (0.000062%); highest among the groups gnomAD compares: East Asian, 0.0022%; no homozygotes.

Submission:

GeneDx
Classification: Pathogenic. Last evaluated: 2018-09-12. Review status: criteria provided, single submitter. Criteria: GeneDx Variant Classification (06012015). Collection method: clinical testing. Allele origin: germline. Affected: yes.
Comment: The Q2672X variant in the VPS13B gene has not been reported previously as a pathogenic variant nor as a benign variant, to our knowledge. This variant is predicted to cause loss of normal protein function either through protein truncation or nonsense-mediated mRNA decay. The Q2672X variant is not observed at a significant frequency in large population cohorts (Lek et al., 2016). We interpret Q2672X as a pathogenic variant.